The following is an entry in ClinVar:

ClinVar aggregate classification (germline): Uncertain significance (1 of 4 stars; one submission).

Conditions:
Hereditary cancer-predisposing syndrome. Also called: Tumor predisposition; Neoplastic Syndromes, Hereditary; Hereditary neoplastic syndrome; Hereditary Cancer Syndrome. Identifiers: Orphanet 140162, MedGen C0027672, MeSH D009386, MONDO:0015356.

Submission:

Ambry Genetics
Classification: Uncertain significance for Hereditary cancer-predisposing syndrome. Last evaluated: 2024-12-10. Review status: criteria provided, single submitter. Criteria: Ambry Variant Classification Scheme 2023. Collection method: clinical testing. Allele origin: germline.
Comment: The p.A5G variant (also known as c.14C>G), located in coding exon 1 of the VHL gene, results from a C to G substitution at nucleotide position 14. The alanine at codon 5 is replaced by glycine, an amino acid with similar properties. This amino acid position is conserved. In addition, this alteration is predicted to be tolerated by in silico analysis. Based on the available evidence, the clinical significance of this variant remains unclear.

NM_000551.4(VHL):c.14C>G (p.Ala5Gly)

Gene: VHL (von Hippel-Lindau tumor suppressor; plus strand). Cytogenetic location: 3p25.3.
Variant type: single nucleotide variant.
Coding change: c.14C>G on transcript NM_000551.4 (MANE Select); coding-DNA position 14, C replaced by G.
Protein change: p.Ala5Gly; replaces alanine 5 with glycine.
Molecular consequence: missense variant. On other transcripts: non-coding transcript variant (1).
Genome position (GRCh38, 1-based): chr3:10,141,861, C>G. VCF-style: chr3-10141861-C-G. GRCh37 (hg19) VCF-style: chr3-10183545-C-G.
Other names: c.14C>G, p.Ala5Gly (NM_001354723.2, NM_198156.3); short protein forms A5G.
Identifiers: ClinVar variation 3468018 (VCV003468018.1).